The following is an entry in ClinVar:

ClinVar aggregate classification (germline): Conflicting classifications of pathogenicity. Review status: criteria provided, conflicting classifications (1 of 4 stars). 2 submissions from 2 submitters: Uncertain significance (1); Benign (1). Last evaluated 2024-10-16.

Allele frequency attached by ClinVar (database versions not stated): gnomAD exomes below 0.00001; TOPMed below 0.00001; gnomAD 0.00001.
gnomAD v4.1: 3 of 1,209,342 alleles (0.00025%); highest among the groups gnomAD compares: Non-Finnish European, 0.00034%; no homozygotes.

Submissions (2):

Labcorp Genetics (formerly Invitae), Labcorp
Classification: Benign. Last evaluated: 2024-10-16. Review status: criteria provided, single submitter. Criteria: Invitae Variant Classification Sherloc (09022015). Collection method: clinical testing. Allele origin: germline.

Ambry Genetics
Classification: Uncertain significance. Last evaluated: 2016-06-07. Review status: criteria provided, single submitter. Criteria: Ambry Variant Classification Scheme 2023. Collection method: clinical testing. Allele origin: germline.
Comment: The p.N596D variant (also known as c.1786A>G), located in coding exon 2 of the KIAA2022 gene, results from an A to G substitution at nucleotide position 1786. The asparagine at codon 596 is replaced by aspartic acid, an amino acid with highly similar properties. This variant was not reported in population based cohorts in the following databases: Database of Single Nucleotide Polymorphisms (dbSNP), NHLBI Exome Sequencing Project (ESP), and 1000 Genomes Project. In the ESP, this variant was not observed in 6503 samples with coverage at this position. This amino acid position is well conserved in available vertebrate species. In addition, this alteration is predicted to be tolerated by in silico analysis. Since supporting evidence is limited at this time, the clinical significance of this alteration remains unclear.

NM_001008537.3(NEXMIF):c.1786A>G (p.Asn596Asp)

Gene: NEXMIF (neurite extension and migration factor; minus strand). Cytogenetic location: Xq13.3.
Variant type: single nucleotide variant.
Coding change: c.1786A>G on transcript NM_001008537.3 (MANE Select); coding-DNA position 1786, A replaced by G.
Protein change: p.Asn596Asp; replaces asparagine 596 with aspartic acid.
Molecular consequence: missense variant.
Genome position (GRCh38, 1-based): chrX:74,742,771, T>C on the plus strand (A>G on the coding strand, the complement: NEXMIF is on the minus strand). VCF-style: chrX-74742771-T-C. GRCh37 (hg19) VCF-style: chrX-73962606-T-C.
Other names: short protein forms N596D.
Identifiers: ClinVar variation 589857 (VCV000589857.13), dbSNP rs1404043155, ClinGen allele CA413669692.